The following is an entry in ClinVar:

NM_001367624.2(ZNF469):c.9661A>G (p.Ser3221Gly)

Gene: ZNF469 (zinc finger protein 469; plus strand). Cytogenetic location: 16q24.2.
Variant type: single nucleotide variant.
Coding change: c.9661A>G on transcript NM_001367624.2 (MANE Select); coding-DNA position 9661, A replaced by G.
Protein change: p.Ser3221Gly; replaces serine 3221 with glycine.
Molecular consequence: missense variant.
Genome position (GRCh38, 1-based): chr16:88,437,131, A>G. VCF-style: chr16-88437131-A-G. GRCh37 (hg19) VCF-style: chr16-88503539-A-G.
Other names: NM_001127464.1:c.9577A>G; short protein forms S3221G.
Identifiers: ClinVar variation 1767424 (VCV001767424.2), dbSNP rs1261907349, ClinGen allele CA397124438.

ClinVar aggregate classification (germline): Uncertain significance (1 of 4 stars; one submission).

Conditions:
Cardiovascular phenotype. Identifiers: MedGen CN230736.

gnomAD v4.1: 3 of 1,548,502 alleles (0.00019%); highest among the groups gnomAD compares: African/African-American, 0.0027%; no homozygotes.

Submission:

Ambry Genetics
Classification: Uncertain significance for Cardiovascular phenotype. Last evaluated: 2022-08-03. Review status: criteria provided, single submitter. Criteria: Ambry Variant Classification Scheme 2023. Collection method: clinical testing. Allele origin: germline.
Comment: The p.S3193G variant (also known as c.9577A>G), located in coding exon 2 of the ZNF469 gene, results from an A to G substitution at nucleotide position 9577. The serine at codon 3193 is replaced by glycine, an amino acid with similar properties. This amino acid position is conserved. In addition, this alteration is predicted to be tolerated by in silico analysis. Since supporting evidence is limited at this time, the clinical significance of this alteration remains unclear.